The following is an entry in ClinVar:

ClinVar aggregate classification (germline): Uncertain significance. Review status: criteria provided, multiple submitters, no conflicts (2 of 4 stars). 2 submissions from 2 submitters: Uncertain significance (2). Last evaluated 2024-05-20.

Conditions:
Autosomal dominant Parkinson disease 8. Also called: Parkinson disease 8, susceptibility to; LRRK2-Related Parkinson Disease; Parkinson disease 8. Identifiers: Orphanet 411602, MedGen C1846862, MONDO:0011764, OMIM 607060.
Inborn genetic diseases. Identifiers: MedGen C0950123, MeSH D030342.

Allele frequency attached by ClinVar (database versions not stated): gnomAD exomes below 0.00001; gnomAD 0.00001.
gnomAD v4.1: 7 of 1,613,130 alleles (0.00043%); highest among the groups gnomAD compares: Non-Finnish European, 0.00051%; no homozygotes.

Submissions (2):

Ambry Genetics
Classification: Uncertain significance for Inborn genetic diseases. Last evaluated: 2024-05-20. Review status: criteria provided, single submitter. Criteria: Ambry Variant Classification Scheme 2023. Collection method: clinical testing. Allele origin: germline.
Comment: The p.P1261L variant (also known as c.3782C>T), located in coding exon 28 of the LRRK2 gene, results from a C to T substitution at nucleotide position 3782. The proline at codon 1261 is replaced by leucine, an amino acid with similar properties. This amino acid position is conserved. In addition, the in silico prediction for this alteration is inconclusive. Since supporting evidence is limited at this time, the clinical significance of this alteration remains unclear.

Labcorp Genetics (formerly Invitae), Labcorp
Classification: Uncertain significance for Autosomal dominant Parkinson disease 8. Last evaluated: 2023-09-24. Review status: criteria provided, single submitter. Criteria: Invitae Variant Classification Sherloc (09022015). Collection method: clinical testing. Allele origin: germline.
Comment: This sequence change replaces proline, which is neutral and non-polar, with leucine, which is neutral and non-polar, at codon 1261 of the LRRK2 protein (p.Pro1261Leu). This variant is present in population databases (no rsID available, gnomAD 0.007%). This variant has not been reported in the literature in individuals affected with LRRK2-related conditions. In summary, the available evidence is currently insufficient to determine the role of this variant in disease. Therefore, it has been classified as a Variant of Uncertain Significance. Advanced modeling of protein sequence and biophysical properties (such as structural, functional, and spatial information, amino acid conservation, physicochemical variation, residue mobility, and thermodynamic stability) has been performed at Invitae for this missense variant, however the output from this modeling did not meet the statistical confidence thresholds required to predict the impact of this variant on LRRK2 protein function. ClinVar contains an entry for this variant (Variation ID: 1734861).

NM_198578.4(LRRK2):c.3782C>T (p.Pro1261Leu)

Gene: LRRK2 (leucine rich repeat kinase 2; plus strand). Cytogenetic location: 12q12.
Variant type: single nucleotide variant.
Coding change: c.3782C>T on transcript NM_198578.4 (MANE Select); coding-DNA position 3782, C replaced by T.
Protein change: p.Pro1261Leu; replaces proline 1261 with leucine.
Molecular consequence: missense variant.
Genome position (GRCh38, 1-based): chr12:40,305,789, C>T. VCF-style: chr12-40305789-C-T. GRCh37 (hg19) VCF-style: chr12-40699591-C-T.
Other names: short protein forms P1261L.
Identifiers: ClinVar variation 1734861 (VCV001734861.6), dbSNP rs930461041, ClinGen allele CA235352737.